The following is an entry in ClinVar:

ClinVar aggregate classification (germline): Uncertain significance (1 of 4 stars; one submission).

Conditions:
Tuberous sclerosis 2 (TSC2). Identifiers: Orphanet 805, MedGen C1860707, MONDO:0013199, OMIM 613254.

Submission:

Labcorp Genetics (formerly Invitae), Labcorp
Classification: Uncertain significance for Tuberous sclerosis 2. Last evaluated: 2024-04-14. Review status: criteria provided, single submitter. Criteria: Invitae Variant Classification Sherloc (09022015). Collection method: clinical testing. Allele origin: germline.
Comment: This variant, c.1399_1407dup, results in the insertion of 3 amino acid(s) of the TSC2 protein (p.Asp467_Leu469dup), but otherwise preserves the integrity of the reading frame. This variant is not present in population databases (gnomAD no frequency). This variant has not been reported in the literature in individuals affected with TSC2-related conditions. In summary, the available evidence is currently insufficient to determine the role of this variant in disease. Therefore, it has been classified as a Variant of Uncertain Significance.

NM_000548.5(TSC2):c.1399_1407dup (p.Leu469_Ser470insAspValLeu)

Gene: TSC2 (TSC complex subunit 2; plus strand). Cytogenetic location: 16p13.3.
Variant type: Duplication.
Coding change: c.1399_1407dup on transcript NM_000548.5 (MANE Select); coding-DNA positions 1399 to 1407, 9 bases duplicated (GACGTGCTG; older notation c.1399_1407dupGACGTGCTG).
Protein change: p.Leu469_Ser470insAspValLeu.
Molecular consequence: non-coding transcript variant (on NR_176225.1). On other transcripts: intron variant (1).
Genome position (GRCh38, 1-based): chr16:2,063,009-2,063,017, GACGTGCTG duplicated; duplicating any 9 consecutive bases within chr16:2,063,003-2,063,017 gives the same sequence; the c. name uses the placement nearest the transcript's 3' end. VCF-style (leftmost placement, unchanged base first): chr16-2063002-G-GGTGCTGGAC. GRCh37 (hg19) VCF-style: chr16-2113003-G-GGTGCTGGAC.
Other names: c.1399_1407dup, p.Leu469_Ser470insAspValLeu (NM_001077183.3, NM_001114382.3, NM_001363528.2 and 6 more transcripts); c.1288_1296dup, p.Leu432_Ser433insAspValLeu (NM_001318827.2, NM_001406670.1, NM_001406678.1); c.1252_1260dup, p.Leu420_Ser421insAspValLeu (NM_001318829.2, NM_001406675.1, NM_001406676.1 and 1 more transcripts); c.799_807dup, p.Leu269_Ser270insAspValLeu (NM_001318831.2, NM_001406680.1, NM_001406682.1 and 6 more transcripts); c.1432_1440dup, p.Leu480_Ser481insAspValLeu (NM_001318832.2); c.1489_1497dup, p.Leu499_Ser500insAspValLeu (NM_001406667.1, NM_001406668.1); c.1387_1395dup, p.Leu465_Ser466insAspValLeu (NM_001406671.1, NM_001406673.1); c.1342_1350dup, p.Leu450_Ser451insAspValLeu (NM_001406677.1); and 3 more.
Identifiers: ClinVar variation 3649804 (VCV003649804.2).